The following is an entry in ClinVar:

NM_199420.4(POLQ):c.73G>A (p.Gly25Ser)

Genes: POLQ (DNA polymerase theta; minus strand), LOC112872292 (Sharpr-MPRA regulatory region 30; plus strand). Cytogenetic location: 3q13.33.
Variant type: single nucleotide variant.
Coding change: c.73G>A on transcript NM_199420.4 (MANE Select); coding-DNA position 73, G replaced by A.
Protein change: p.Gly25Ser; replaces glycine 25 with serine.
Molecular consequence: missense variant.
Genome position (GRCh38, 1-based): chr3:121,545,805, C>T on the plus strand (G>A on the coding strand, the complement: POLQ is on the minus strand). VCF-style: chr3-121545805-C-T. GRCh37 (hg19) VCF-style: chr3-121264652-C-T.
Other names: short protein forms G25S.
Identifiers: ClinVar variation 2448924 (VCV002448924.2), dbSNP rs754281228, ClinGen allele CA354097474.

ClinVar aggregate classification (germline): Uncertain significance (1 of 4 stars; one submission).

gnomAD v4.1: 1 of 1,613,154 alleles (0.000062%); highest among the groups gnomAD compares: African/African-American, 0.0013%; no homozygotes.

Submission:

Ambry Genetics
Classification: Uncertain significance. Last evaluated: 2022-12-01. Review status: criteria provided, single submitter. Criteria: Ambry Variant Classification Scheme 2023. Collection method: clinical testing. Allele origin: germline.
Comment: The p.G25S variant (also known as c.73G>A), located in coding exon 1 of the POLQ gene, results from a G to A substitution at nucleotide position 73. The glycine at codon 25 is replaced by serine, an amino acid with similar properties. This amino acid position is conserved. In addition, this alteration is predicted to be tolerated by in silico analysis. Since supporting evidence is limited at this time, the clinical significance of this alteration remains unclear.